The following is an entry in ClinVar:

NM_000264.5(PTCH1):c.1087A>C (p.Met363Leu)

Gene: PTCH1 (patched 1; minus strand). Cytogenetic location: 9q22.32.
Variant type: single nucleotide variant.
Coding change: c.1087A>C on transcript NM_000264.5 (MANE Select); coding-DNA position 1087, A replaced by C.
Protein change: p.Met363Leu; replaces methionine 363 with leucine.
Molecular consequence: missense variant. On other transcripts: non-coding transcript variant (1).
Genome position (GRCh38, 1-based): chr9:95,479,128, T>G on the plus strand (A>C on the coding strand, the complement: PTCH1 is on the minus strand). VCF-style: chr9-95479128-T-G. GRCh37 (hg19) VCF-style: chr9-98241410-T-G.
Other names: c.889A>C, p.Met297Leu (NM_001083602.3); c.1084A>C, p.Met362Leu (NM_001083603.3); c.634A>C, p.Met212Leu (NM_001083604.3, NM_001083605.3, NM_001083606.3 and 1 more transcripts); c.1087A>C, p.Met363Leu (NM_001354918.2); short protein forms M212L, M297L, M362L, M363L.
Identifiers: ClinVar variation 2630456 (VCV002630456.1), dbSNP rs1342698215, ClinGen allele CA374119505.

ClinVar aggregate classification (germline): Uncertain significance (1 of 4 stars; one submission).

Conditions:
PTCH1-related disorder. Also called: PTCH1-related disorders; PTCH1-related condition.

Submission:

PreventionGenetics, part of Exact Sciences
Classification: Uncertain significance for PTCH1-related condition. Last evaluated: 2023-02-26. Review status: criteria provided, single submitter. Criteria: ACMG Guidelines, 2015. Collection method: clinical testing. Allele origin: germline.
Comment: The PTCH1 c.1087A>C variant is predicted to result in the amino acid substitution p.Met363Leu. To our knowledge, this variant has not been reported in the literature or in a large population database, indicating this variant is rare. At this time, the clinical significance of this variant is uncertain due to the absence of conclusive functional and genetic evidence.